The following is an entry in ClinVar:

ClinVar aggregate classification (germline): Uncertain significance. Review status: criteria provided, multiple submitters, no conflicts (2 of 4 stars). 2 submissions from 2 submitters: Uncertain significance (2). Last evaluated 2024-06-12.

gnomAD v4.1: 295 of 1,613,094 alleles (0.018%); highest among the groups gnomAD compares: Non-Finnish European, 0.023%; no homozygotes.

Submissions (2):

GeneDx
Classification: Uncertain significance. Last evaluated: 2024-06-12. Review status: criteria provided, single submitter. Criteria: GeneDx Variant Classification Process June 2021. Collection method: clinical testing. Allele origin: germline. Affected: yes.
Comment: In silico analysis indicates that this missense variant does not alter protein structure/function; Has not been previously published as pathogenic or benign to our knowledge; This variant is associated with the following publications: (PMID: 23216583)

Blueprint Genetics
Classification: Uncertain significance. Last evaluated: 2024-03-18. Review status: criteria provided, single submitter. Criteria: ACMG Guidelines, 2015. Collection method: clinical testing. Allele origin: germline.

NM_000552.5(VWF):c.1441C>T (p.Arg481Cys)

Gene: VWF (von Willebrand factor; minus strand). Cytogenetic location: 12p13.31.
Variant type: single nucleotide variant.
Coding change: c.1441C>T on transcript NM_000552.5 (MANE Select); coding-DNA position 1441, C replaced by T.
Protein change: p.Arg481Cys; replaces arginine 481 with cysteine.
Molecular consequence: missense variant.
Genome position (GRCh38, 1-based): chr12:6,063,046, G>A on the plus strand (C>T on the coding strand, the complement: VWF is on the minus strand). VCF-style: chr12-6063046-G-A. GRCh37 (hg19) VCF-style: chr12-6172212-G-A.
Other names: short protein forms R481C.
Identifiers: ClinVar variation 3390732 (VCV003390732.2).